The following is an entry in ClinVar:

ClinVar aggregate classification (germline): Uncertain significance (1 of 4 stars; one submission).

gnomAD v4.1: 1 of 1,503,638 alleles (0.000067%); highest among the groups gnomAD compares: Non-Finnish European, 0.000088%; no homozygotes.

Submission:

Labcorp Genetics (formerly Invitae), Labcorp
Classification: Uncertain significance. Last evaluated: 2025-08-23. Review status: criteria provided, single submitter. Criteria: Invitae Variant Classification Sherloc (09022015). Collection method: clinical testing. Allele origin: germline.
Comment: This sequence change replaces alanine, which is neutral and non-polar, with threonine, which is neutral and polar, at codon 89 of the C1QTNF5 protein (p.Ala89Thr). This variant is not present in population databases (gnomAD no frequency). This variant has not been reported in the literature in individuals affected with C1QTNF5-related conditions. An algorithm developed to predict the effect of missense changes on protein structure and function (PolyPhen-2) suggests that this variant is likely to be tolerated. In summary, the available evidence is currently insufficient to determine the role of this variant in disease. Therefore, it has been classified as a Variant of Uncertain Significance.

NM_001278431.2(C1QTNF5):c.265G>A (p.Ala89Thr)

Genes: C1QTNF5 (C1q and TNF related 5; minus strand), MFRP (membrane frizzled-related protein; minus strand). Cytogenetic location: 11q23.3.
Variant type: single nucleotide variant.
Coding change: c.265G>A on transcript NM_001278431.2 (MANE Select); coding-DNA position 265, G replaced by A.
Protein change: p.Ala89Thr; replaces alanine 89 with threonine.
Molecular consequence: missense variant. On other transcripts: 3 prime UTR variant (1).
Genome position (GRCh38, 1-based): chr11:119,339,798, C>T on the plus strand (G>A on the coding strand, the complement: C1QTNF5 is on the minus strand). VCF-style: chr11-119339798-C-T. GRCh37 (hg19) VCF-style: chr11-119210508-C-T.
Other names: c.265G>A, p.Ala89Thr (NM_015645.5); c.*1161G>A (NM_031433.4); short protein forms A89T.
Identifiers: ClinVar variation 4725637 (VCV004725637.1).